The following is an entry in ClinVar:

ClinVar aggregate classification (germline): Likely benign. Review status: criteria provided, multiple submitters, no conflicts (2 of 4 stars). 3 submissions from 3 submitters: Likely benign (2). 1 of the submissions does not count toward it. Last evaluated 2023-06-08.

Conditions:
Autosomal recessive polycystic kidney disease (ARPKD). Also called: AR polycystic kidney disease. Identifiers: Orphanet 731, Orphanet 8378, MedGen C0085548, MeSH D017044, MONDO:0009889.
PKHD1-related disorder. Also called: PKHD1-related condition.
Polycystic kidney disease 4 (PKD4). Also called: POLYCYSTIC KIDNEY AND HEPATIC DISEASE 1; POLYCYSTIC KIDNEY DISEASE, INFANTILE, TYPE I; Autosomal Recessive Polycystic Kidney Disease – PKHD1; POLYCYSTIC KIDNEY DISEASE 4 WITH OR WITHOUT POLYCYSTIC LIVER DISEASE; PKD3. Identifiers: MedGen C4540575, MONDO:0033004, OMIM 263200.

Allele frequency attached by ClinVar (database versions not stated): gnomAD exomes below 0.00001; TOPMed below 0.00001; gnomAD 0.00001.
gnomAD v4.1: 3 of 1,613,996 alleles (0.00019%); highest among the groups gnomAD compares: Non-Finnish European, 0.00025%; no homozygotes.

Submissions (3):

Labcorp Genetics (formerly Invitae), Labcorp
Classification: Likely benign for Autosomal recessive polycystic kidney disease. Last evaluated: 2023-06-08. Review status: criteria provided, single submitter. Criteria: Invitae Variant Classification Sherloc (09022015). Collection method: clinical testing. Allele origin: germline.

Fulgent Genetics
Classification: Likely benign for Polycystic kidney disease 4. Last evaluated: 2022-04-22. Review status: criteria provided, single submitter. Criteria: ACMG Guidelines, 2015. Collection method: clinical testing. Allele origin: unknown.

PreventionGenetics, part of Exact Sciences
Classification: Likely benign for PKHD1-related condition. Last evaluated: 2022-04-06. Review status: no assertion criteria provided. Collection method: clinical testing. Allele origin: germline. Not counted in ClinVar's aggregate classification.
Comment: This variant is classified as likely benign based on ACMG/AMP sequence variant interpretation guidelines (Richards et al. 2015 PMID: 25741868, with internal and published modifications).

NM_138694.4(PKHD1):c.5541C>G (p.Leu1847=)

Gene: PKHD1 (PKHD1 ciliary IPT domain containing fibrocystin/polyductin; minus strand). Cytogenetic location: 6p12.2.
Variant type: single nucleotide variant.
Coding change: c.5541C>G on transcript NM_138694.4 (MANE Select); coding-DNA position 5541, C replaced by G.
Protein change: p.Leu1847=; no amino-acid change (leucine 1847 retained).
Molecular consequence: synonymous variant.
Genome position (GRCh38, 1-based): chr6:52,017,469, G>C on the plus strand (C>G on the coding strand, the complement: PKHD1 is on the minus strand). VCF-style: chr6-52017469-G-C. GRCh37 (hg19) VCF-style: chr6-51882267-G-C.
Other names: c.5541C>G (NM_138694.3); c.5541C>G, p.Leu1847= (NM_170724.3).
Identifiers: ClinVar variation 1142568 (VCV001142568.12), dbSNP rs1355951747, ClinGen allele CA450417503.